The following is an entry in ClinVar:

NM_001128840.3(CACNA1D):c.658G>C (p.Glu220Gln)

Gene: CACNA1D (calcium voltage-gated channel subunit alpha1 D; plus strand). Cytogenetic location: 3p21.1.
Variant type: single nucleotide variant.
Coding change: c.658G>C on transcript NM_001128840.3 (MANE Select); coding-DNA position 658, G replaced by C.
Protein change: p.Glu220Gln; replaces glutamic acid 220 with glutamine.
Molecular consequence: missense variant.
Genome position (GRCh38, 1-based): chr3:53,660,167, G>C. VCF-style: chr3-53660167-G-C. GRCh37 (hg19) VCF-style: chr3-53694194-G-C.
Other names: c.658G>C, p.Glu220Gln (NM_000720.4, NM_001128839.3); short protein forms E220Q.
Identifiers: ClinVar variation 1032456 (VCV001032456.1), dbSNP rs2094189629, ClinGen allele CA353382435.
Genomic context (GRCh38, chr3:53,660,167, plus strand): 5'-ATTTCTTTCTCTTTCTCTTCTTTCAGATTGTTTAGTGTAATTTTGGAACAATTAACCAAA[G>C]AAACAGAAGGCGGGAACCACTCAAGCGGCAAATCTGGAGGCTTTGATGTCAAAGCCCTCC-3'
Protein context (NP_001122312.1, residues 210-230): FSVILEQLTK[Glu220Gln]TEGGNHSSGK

ClinVar aggregate classification (germline): Uncertain significance (1 of 4 stars; one submission).

Conditions:
Aldosterone-producing adenoma with seizures and neurological abnormalities. Also called: Primary aldosteronism, seizures, and neurologic abnormalities. Identifiers: Orphanet 369929, MedGen C3809609, MONDO:0014200, OMIM 615474.

Submission:

Baylor Genetics
Classification: Uncertain significance for Aldosterone-producing adenoma with seizures and neurological abnormalities. Last evaluated: 2018-09-14. Review status: criteria provided, single submitter. Criteria: ACMG Guidelines, 2015. Collection method: clinical testing. Allele origin: paternal. Affected: yes.
Comment: This variant was determined to be of uncertain significance according to ACMG Guidelines, 2015 [PMID:25741868].